The following is an entry in ClinVar:

ClinVar aggregate classification (germline): Conflicting classifications of pathogenicity. Review status: criteria provided, conflicting classifications (1 of 4 stars). 2 submissions from 2 submitters: Uncertain significance (1); Likely benign (1). Last evaluated 2026-05-12.

Conditions:
Familial cancer of breast. Also called: hereditary breast carcinoma; Hereditary breast cancer; BREAST CANCER, FAMILIAL. Identifiers: Orphanet 227535, MedGen C0346153, MONDO:0016419, OMIM 114480. Disease mechanism: loss of function.
Hereditary cancer-predisposing syndrome. Also called: Tumor predisposition; Hereditary Cancer Syndrome; Neoplastic Syndromes, Hereditary; Hereditary neoplastic syndrome. Identifiers: Orphanet 140162, MedGen C0027672, MeSH D009386, MONDO:0015356.

Submissions (2):

Ambry Genetics
Classification: Likely benign for Hereditary cancer-predisposing syndrome. Last evaluated: 2026-05-12. Review status: criteria provided, single submitter. Criteria: Ambry Variant Classification Scheme 2023. Collection method: clinical testing. Allele origin: germline.

Labcorp Genetics (formerly Invitae), Labcorp
Classification: Uncertain significance for Hereditary Breast Carcinoma. Last evaluated: 2018-10-01. Review status: criteria provided, single submitter. Criteria: Invitae Variant Classification Sherloc (09022015). Collection method: clinical testing. Allele origin: germline.
Comment: This sequence change replaces leucine with phenylalanine at codon 708 of the PALB2 protein (p.Leu708Phe). The leucine residue is weakly conserved and there is a small physicochemical difference between leucine and phenylalanine. This variant is not present in population databases (ExAC no frequency). This variant has not been reported in the literature in individuals with PALB2-related disease. Algorithms developed to predict the effect of missense changes on protein structure and function (SIFT, PolyPhen-2, Align-GVGD) all suggest that this variant is likely to be tolerated, but these predictions have not been confirmed by published functional studies and their clinical significance is uncertain. In summary, the available evidence is currently insufficient to determine the role of this variant in disease. Therefore, it has been classified as a Variant of Uncertain Significance.

NM_024675.4(PALB2):c.2124A>T (p.Leu708Phe)

Gene: PALB2 (partner and localizer of BRCA2; minus strand). Cytogenetic location: 16p12.2.
Variant type: single nucleotide variant.
Coding change: c.2124A>T on transcript NM_024675.4 (MANE Select); coding-DNA position 2124, A replaced by T.
Protein change: p.Leu708Phe; replaces leucine 708 with phenylalanine.
Molecular consequence: missense variant.
Genome position (GRCh38, 1-based): chr16:23,630,030, T>A on the plus strand (A>T on the coding strand, the complement: PALB2 is on the minus strand). VCF-style: chr16-23630030-T-A. GRCh37 (hg19) VCF-style: chr16-23641351-T-A.
Other names: short protein forms L708F.
Identifiers: ClinVar variation 640163 (VCV000640163.3), dbSNP rs1597090058, ClinGen allele CA395125749.